The following is an entry in ClinVar:

ClinVar aggregate classification (germline): Uncertain significance. Review status: criteria provided, multiple submitters, no conflicts (2 of 4 stars). 3 submissions from 3 submitters: Uncertain significance (3). Last evaluated 2024-12-02.

Conditions:
Arrhythmogenic right ventricular dysplasia 8 (ARVD8). Also called: Arrhythmogenic Right Ventricular Dysplasia/Cardiomyopathy 8; ARRHYTHMOGENIC RIGHT VENTRICULAR DYSPLASIA, FAMILIAL, 8; ARRHYTHMOGENIC RIGHT VENTRICULAR CARDIOMYOPATHY 8. Identifiers: MedGen C1843896, MONDO:0011831, OMIM 607450.
Arrhythmogenic cardiomyopathy with wooly hair and keratoderma. Also called: PALMOPLANTAR KERATODERMA WITH LEFT VENTRICULAR CARDIOMYOPATHY AND WOOLLY HAIR; Dilated cardiomyopathy with woolly hair and keratoderma; Arrhythmogenic cardiomyopathy with woolly hair and keratoderma; Carvajal syndrome. Identifiers: Orphanet 65282, MedGen C1854063, MONDO:0011581, OMIM 605676.
Cardiomyopathy (CMYO). Also called: Cardiomyopathies. Identifiers: Orphanet 167848, MedGen C0878544, MONDO:0004994, HP:0001638. Inheritance: Various modes of inheritance.

gnomAD v4.1: 4 of 1,613,986 alleles (0.00025%); highest among the groups gnomAD compares: Non-Finnish European, 0.00034%; no homozygotes.

Submissions (3):

Labcorp Genetics (formerly Invitae), Labcorp
Classification: Uncertain significance for Arrhythmogenic cardiomyopathy with wooly hair and keratoderma; Arrhythmogenic right ventricular dysplasia 8. Last evaluated: 2024-12-02. Review status: criteria provided, single submitter. Criteria: Invitae Variant Classification Sherloc (09022015). Collection method: clinical testing. Allele origin: germline.
Comment: This sequence change replaces glycine, which is neutral and non-polar, with cysteine, which is neutral and slightly polar, at codon 229 of the DSP protein (p.Gly229Cys). This variant is present in population databases (rs376185352, gnomAD 0.0009%). This variant has not been reported in the literature in individuals affected with DSP-related conditions. ClinVar contains an entry for this variant (Variation ID: 2775266). An algorithm developed to predict the effect of missense changes on protein structure and function (PolyPhen-2) suggests that this variant is likely to be disruptive. In summary, the available evidence is currently insufficient to determine the role of this variant in disease. Therefore, it has been classified as a Variant of Uncertain Significance.

Color Diagnostics, LLC DBA Color Health
Classification: Uncertain significance for Cardiomyopathy. Last evaluated: 2024-03-07. Review status: criteria provided, single submitter. Criteria: ACMG Guidelines, 2015. Collection method: clinical testing. Allele origin: germline.
Comment: This missense variant replaces glycine with cysteine at codon 229 of the DSP protein. Computational prediction is inconclusive regarding the impact of this variant on protein structure and function (internally defined REVEL score threshold 0.5 < inconclusive < 0.7, PMID: 27666373). To our knowledge, functional studies have not been reported for this variant. This variant has not been reported in individuals affected with cardiovascular disorders in the literature. This variant has been identified in 1/251442 chromosomes in the general population by the Genome Aggregation Database (gnomAD). The available evidence is insufficient to determine the role of this variant in disease conclusively. Therefore, this variant is classified as a Variant of Uncertain Significance.

All of Us Research Program, National Institutes of Health
Classification: Uncertain significance for Arrhythmogenic cardiomyopathy with wooly hair and keratoderma. Last evaluated: 2023-10-23. Review status: criteria provided, single submitter. Criteria: ACMG Guidelines, 2015. Collection method: clinical testing. Allele origin: germline. Inheritance: Autosomal dominant inheritance. Observed: 2 variant alleles, 2 heterozygotes.
Comment: This missense variant replaces glycine with cysteine at codon 229 of the DSP protein. Computational prediction is inconclusive regarding the impact of this variant on protein structure and function (internally defined REVEL score threshold 0.5 < inconclusive < 0.7, PMID: 27666373). To our knowledge, functional studies have not been reported for this variant. This variant has not been reported in individuals affected with cardiovascular disorders in the literature. This variant has been identified in 1/251442 chromosomes in the general population by the Genome Aggregation Database (gnomAD). The available evidence is insufficient to determine the role of this variant in disease conclusively. Therefore, this variant is classified as a Variant of Uncertain Significance.

This study involves interpretation of variants in research participants for the purpose of population health screening. Participant phenotype was not available at the time of variant classification. Additional details can be found in publication PMID: 35346344, PMCID: PMC8962531

NM_004415.4(DSP):c.685G>T (p.Gly229Cys)

Gene: DSP (desmoplakin; plus strand). Cytogenetic location: 6p24.3.
Variant type: single nucleotide variant.
Coding change: c.685G>T on transcript NM_004415.4 (MANE Select); coding-DNA position 685, G replaced by T.
Protein change: p.Gly229Cys; replaces glycine 229 with cysteine.
Molecular consequence: missense variant.
Genome position (GRCh38, 1-based): chr6:7,562,739, G>T. VCF-style: chr6-7562739-G-T. GRCh37 (hg19) VCF-style: chr6-7562972-G-T.
Other names: c.685G>T, p.Gly229Cys (NM_001008844.3, NM_001319034.2, NM_001406591.1); short protein forms G229C.
Identifiers: ClinVar variation 2775266 (VCV002775266.6), dbSNP rs376185352, ClinGen allele CA048514.
Genomic context (GRCh38, chr6:7,562,739, plus strand): 5'-GTGGACCTGGCCTCAGTGGAGCAGCACATTAACAGCCACCGGGGCATCCACAACTCCATC[G>T]GCGACTATCGCTGGCAGCTGGACAAAATCAAAGCCGACCTGGTACTTGTCTGTGTTTCAT-3'
Protein context (NP_004406.2, residues 219-239): NSHRGIHNSI[Gly229Cys]DYRWQLDKIK